The following is an entry in ClinVar:

ClinVar aggregate classification (germline): Uncertain significance (1 of 4 stars; one submission).

Submission:

Labcorp Genetics (formerly Invitae), Labcorp
Classification: Uncertain significance. Last evaluated: 2021-10-29. Review status: criteria provided, single submitter. Criteria: Invitae Variant Classification Sherloc (09022015). Collection method: clinical testing. Allele origin: germline.
Comment: In summary, the available evidence is currently insufficient to determine the role of this variant in disease. Therefore, it has been classified as a Variant of Uncertain Significance. Algorithms developed to predict the effect of missense changes on protein structure and function are either unavailable or do not agree on the potential impact of this missense change (SIFT: "Deleterious"; PolyPhen-2: "Probably Damaging"; Align-GVGD: "Class C0"). This variant has not been reported in the literature in individuals affected with CAPN5-related conditions. This variant is not present in population databases (gnomAD no frequency). This sequence change replaces aspartic acid, which is acidic and polar, with tyrosine, which is neutral and polar, at codon 188 of the CAPN5 protein (p.Asp188Tyr).

NM_004055.5(CAPN5):c.562G>T (p.Asp188Tyr)

Gene: CAPN5 (calpain 5; plus strand). Cytogenetic location: 11q13.5.
Variant type: single nucleotide variant.
Coding change: c.562G>T on transcript NM_004055.5 (MANE Select); coding-DNA position 562, G replaced by T.
Protein change: p.Asp188Tyr; replaces aspartic acid 188 with tyrosine.
Molecular consequence: missense variant.
Genome position (GRCh38, 1-based): chr11:77,114,297, G>T. VCF-style: chr11-77114297-G-T. GRCh37 (hg19) VCF-style: chr11-76825343-G-T.
Other names: short protein forms D188Y.
Identifiers: ClinVar variation 1390140 (VCV001390140.6), dbSNP rs782741320, ClinGen allele CA381937817.